The following is an entry in ClinVar:

ClinVar aggregate classification (germline): Uncertain significance. Review status: criteria provided, multiple submitters, no conflicts (2 of 4 stars). 5 submissions from 5 submitters: Uncertain significance (3). 2 of the submissions do not count toward it. Last evaluated 2025-09-07.

Conditions:
Dilated cardiomyopathy 1G (CMD1G). Identifiers: Orphanet 154, MedGen C1858763, MONDO:0011400, OMIM 604145.
Autosomal recessive limb-girdle muscular dystrophy type 2J (LGMDR10). Also called: Limb-girdle muscular dystrophy, type 2J; MUSCULAR DYSTROPHY, LIMB-GIRDLE, AUTOSOMAL RECESSIVE 10. Identifiers: Orphanet 140922, MedGen C1837342, MONDO:0012127, OMIM 608807.

Allele frequency attached by ClinVar (database versions not stated): gnomAD 0.00001 and 0.00003; TOPMed 0.00003; gnomAD exomes 0.00004; ExAC 0.00005; 1000 Genomes Project 30x 0.00016; 1000 Genomes Project 0.00020.
gnomAD v4.1: 59 of 1,614,018 alleles (0.0037%); highest among the groups gnomAD compares: South Asian, 0.037%; no homozygotes.

Submissions (5):

Labcorp Genetics (formerly Invitae), Labcorp
Classification: Uncertain significance for Dilated cardiomyopathy 1G; Autosomal recessive limb-girdle muscular dystrophy type 2J. Last evaluated: 2025-09-07. Review status: criteria provided, single submitter. Criteria: Invitae Variant Classification Sherloc (09022015). Collection method: clinical testing. Allele origin: germline.
Comment: This sequence change replaces cysteine, which is neutral and slightly polar, with tyrosine, which is neutral and polar, at codon 35150 of the TTN protein (p.Cys35150Tyr). This variant is present in population databases (rs554953169, gnomAD 0.03%). This variant has not been reported in the literature in individuals affected with TTN-related conditions. ClinVar contains an entry for this variant (Variation ID: 1038502). Experimental studies and prediction algorithms are not available or were not evaluated, and the functional significance of this variant is currently unknown. This variant is located in the M band of TTN (PMID: 25589632). Non-truncating variants in this region may be relevant for neuromuscular disorders, but have not been definitively shown to cause cardiomyopathy (PMID: 23975875). In summary, the available evidence is currently insufficient to determine the role of this variant in disease. Therefore, it has been classified as a Variant of Uncertain Significance.

Women's Health and Genetics/Laboratory Corporation of America, LabCorp
Classification: Uncertain significance. Last evaluated: 2021-12-28. Review status: criteria provided, single submitter. Criteria: LabCorp Variant Classification Summary - May 2015. Collection method: clinical testing. Allele origin: germline.
Comment: Variant summary: TTN c.97745G>A (p.Cys32582Tyr) results in a non-conservative amino acid change located in the M-band region of the encoded protein sequence. Four of four in-silico tools predict a damaging effect of the variant on protein function. The variant allele was found at a frequency of 3.6e-05 in 249106 control chromosomes (gnomAD). The available data on variant occurrences in the general population are insufficient to allow any conclusion about variant significance. To our knowledge, no occurrence of c.97745G>A in individuals affected with Dilated Cardiomyopathy and no experimental evidence demonstrating its impact on protein function have been reported. One clinical diagnostic laboratory has submitted clinical-significance assessments for this variant to ClinVar after 2014 and classified the variant as uncertain significance. Based on the evidence outlined above, the variant was classified as uncertain significance.

Athena Diagnostics
Classification: Uncertain significance. Last evaluated: 2021-07-26. Review status: criteria provided, single submitter. Criteria: Athena Diagnostics Criteria. Collection method: clinical testing. Allele origin: unknown.

Clinical Genetics, Academic Medical Center
Classification: Uncertain significance. Review status: no assertion criteria provided. Collection method: clinical testing. Allele origin: germline. Affected: yes. Study: VKGL Data-share Consensus. Not counted in ClinVar's aggregate classification.

Diagnostic Laboratory, Department of Genetics, University Medical Center Groningen
Classification: Uncertain significance. Review status: no assertion criteria provided. Collection method: clinical testing. Allele origin: germline. Affected: yes. Study: VKGL Data-share Consensus. Not counted in ClinVar's aggregate classification.

Literature cited by the submitters: PubMed 25589632 (cited by Labcorp Genetics (formerly Invitae), Labcorp); PubMed 23975875 (cited by Labcorp Genetics (formerly Invitae), Labcorp).

NM_001267550.2(TTN):c.105449G>A (p.Cys35150Tyr)

Genes: TTN-AS1 (TTN antisense RNA 1; plus strand), TTN (titin; minus strand). Cytogenetic location: 2q31.2.
Variant type: single nucleotide variant.
Coding change: c.105449G>A on transcript NM_001267550.2 (MANE Select); coding-DNA position 105449, G replaced by A.
Protein change: p.Cys35150Tyr; replaces cysteine 35150 with tyrosine.
Molecular consequence: missense variant.
Genome position (GRCh38, 1-based): chr2:178,531,166, C>T on the plus strand (G>A on the coding strand, the complement: TTN is on the minus strand). VCF-style: chr2-178531166-C-T. GRCh37 (hg19) VCF-style: chr2-179395893-C-T.
Other names: c.105449G>A (NM_001267550.1); c.100526G>A, p.Cys33509Tyr (NM_001256850.1); c.78254G>A, p.Cys26085Tyr (NM_003319.4); c.97745G>A, p.Cys32582Tyr (NM_133378.4); c.78629G>A, p.Cys26210Tyr (NM_133432.3); c.78830G>A, p.Cys26277Tyr (NM_133437.4); short protein forms C26277Y, C33509Y, C26085Y, C35150Y, C26210Y, C32582Y.
Identifiers: ClinVar variation 1038502 (VCV001038502.13), dbSNP rs554953169, ClinGen allele CA1985258.